The following is an entry in ClinVar:

ClinVar aggregate classification (germline): Uncertain significance (1 of 4 stars; one submission).

Allele frequency attached by ClinVar (database versions not stated): ExAC 0.00001; gnomAD exomes 0.00001; TOPMed 0.00001.
gnomAD v4.1: 15 of 1,613,750 alleles (0.00093%); highest among the groups gnomAD compares: African/African-American, 0.0027%; no homozygotes.

Submission:

Labcorp Genetics (formerly Invitae), Labcorp
Classification: Uncertain significance. Last evaluated: 2023-03-14. Review status: criteria provided, single submitter. Criteria: Invitae Variant Classification Sherloc (09022015). Collection method: clinical testing. Allele origin: germline.
Comment: This sequence change replaces cysteine, which is neutral and slightly polar, with tyrosine, which is neutral and polar, at codon 1291 of the DOCK6 protein (p.Cys1291Tyr). This variant is present in population databases (rs752178176, gnomAD 0.003%). In summary, the available evidence is currently insufficient to determine the role of this variant in disease. Therefore, it has been classified as a Variant of Uncertain Significance. Advanced modeling of protein sequence and biophysical properties (such as structural, functional, and spatial information, amino acid conservation, physicochemical variation, residue mobility, and thermodynamic stability) performed at Invitae indicates that this missense variant is expected to disrupt DOCK6 protein function. This variant has not been reported in the literature in individuals affected with DOCK6-related conditions.

NM_020812.4(DOCK6):c.3872G>A (p.Cys1291Tyr)

Genes: DOCK6 (dedicator of cytokinesis 6; minus strand), DOCK6-AS1 (DOCK6 antisense RNA 1; plus strand). Cytogenetic location: 19p13.2.
Variant type: single nucleotide variant.
Coding change: c.3872G>A on transcript NM_020812.4 (MANE Select); coding-DNA position 3872, G replaced by A.
Protein change: p.Cys1291Tyr; replaces cysteine 1291 with tyrosine.
Molecular consequence: missense variant.
Genome position (GRCh38, 1-based): chr19:11,216,936, C>T on the plus strand (G>A on the coding strand, the complement: DOCK6 is on the minus strand). VCF-style: chr19-11216936-C-T. GRCh37 (hg19) VCF-style: chr19-11327612-C-T.
Other names: c.3977G>A, p.Cys1326Tyr (NM_001367830.1); short protein forms C1326Y, C1291Y.
Identifiers: ClinVar variation 2822478 (VCV002822478.3), dbSNP rs752178176, ClinGen allele CA9207101.